The following is an entry in ClinVar:

ClinVar aggregate classification (germline): Likely benign (1 of 4 stars; one submission).

Allele frequency attached by ClinVar (database versions not stated): gnomAD exomes below 0.00001; TOPMed 0.00001.
gnomAD v4.1: 5 of 1,610,612 alleles (0.00031%); highest among the groups gnomAD compares: Middle Eastern, 0.017%; no homozygotes.

Submission:

GeneDx
Classification: Likely benign. Last evaluated: 2015-11-03. Review status: criteria provided, single submitter. Criteria: GeneDx Variant Classification (06012015). Collection method: clinical testing. Allele origin: germline. Affected: yes.
Comment: This variant is considered likely benign or benign based on one or more of the following criteria: it is a conservative change, it occurs at a poorly conserved position in the protein, it is predicted to be benign by multiple in silico algorithms, and/or has population frequency not consistent with disease.

NM_001330078.2(NRXN1):c.3365-109863C>T

Gene: NRXN1 (neurexin 1; minus strand). Cytogenetic location: 2p16.3.
Variant type: single nucleotide variant.
Coding change: c.3365-109863C>T on transcript NM_001330078.2 (MANE Select); 109863 bases into the intron before coding-DNA position 3365, C replaced by T.
Molecular consequence: intron variant. On other transcripts: synonymous variant (4).
Genome position (GRCh38, 1-based): chr2:50,346,833, G>A on the plus strand (C>T on the coding strand, the complement: NRXN1 is on the minus strand). VCF-style: chr2-50346833-G-A. GRCh37 (hg19) VCF-style: chr2-50573971-G-A.
Other names: c.117C>T, p.Leu39= (NM_001330091.2, NM_001330092.2, NM_001330097.2 and 1 more transcripts); c.3254-109863C>T (NM_001330096.2, NM_001330087.2); c.3299-109863C>T (NM_001330083.2, NM_001330084.2); c.3284-109863C>T (NM_001330088.2); c.3362-109863C>T (NM_001330093.2); c.3353-109863C>T (NM_001330094.2); c.3314-109863C>T (NM_001330095.2); c.3341-109863C>T (NM_001330082.2, NM_001330077.2); and 3 more.
Identifiers: ClinVar variation 381353 (VCV000381353.1), dbSNP rs1057521027, ClinGen allele CA16604215.